The following is an entry in ClinVar:

ClinVar aggregate classification (germline): Uncertain significance (1 of 4 stars; one submission).

Conditions:
Congenital primary aphakia. Also called: Anterior segment dysgenesis 2, multiple subtypes; ANTERIOR SEGMENT DYSGENESIS 2. Identifiers: Orphanet 83461, MedGen C1853230, MONDO:0012456, OMIM 610256.
Anterior segment dysgenesis. Also called: Ocular anterior segment dysgenesis. Identifiers: Orphanet 88632, MedGen C1862839, MONDO:0019503, HP:0007700.

Submission:

Labcorp Genetics (formerly Invitae), Labcorp
Classification: Uncertain significance for Anterior segment dysgenesis; Congenital primary aphakia. Last evaluated: 2024-10-02. Review status: criteria provided, single submitter. Criteria: Invitae Variant Classification Sherloc (09022015). Collection method: clinical testing. Allele origin: germline.
Comment: This sequence change replaces arginine, which is basic and polar, with cysteine, which is neutral and slightly polar, at codon 275 of the FOXE3 protein (p.Arg275Cys). This variant is not present in population databases (gnomAD no frequency). This variant has not been reported in the literature in individuals affected with FOXE3-related conditions. An algorithm developed to predict the effect of missense changes on protein structure and function (PolyPhen-2) suggests that this variant is likely to be tolerated. In summary, the available evidence is currently insufficient to determine the role of this variant in disease. Therefore, it has been classified as a Variant of Uncertain Significance.

NM_012186.3(FOXE3):c.823C>T (p.Arg275Cys)

Genes: FOXE3 (forkhead box E3; plus strand), LINC01389 (long independently transcribed non-coding RNA 1389; minus strand). Cytogenetic location: 1p33.
Variant type: single nucleotide variant.
Coding change: c.823C>T on transcript NM_012186.3 (MANE Select); coding-DNA position 823, C replaced by T.
Protein change: p.Arg275Cys; replaces arginine 275 with cysteine.
Molecular consequence: missense variant.
Genome position (GRCh38, 1-based): chr1:47,417,138, C>T. VCF-style: chr1-47417138-C-T. GRCh37 (hg19) VCF-style: chr1-47882810-C-T.
Other names: short protein forms R275C.
Identifiers: ClinVar variation 3763638 (VCV003763638.2).